The following is an entry in ClinVar:

NM_000548.5(TSC2):c.3395C>G (p.Ser1132Trp)

Gene: TSC2 (TSC complex subunit 2; plus strand). Cytogenetic location: 16p13.3.
Variant type: single nucleotide variant.
Coding change: c.3395C>G on transcript NM_000548.5 (MANE Select); coding-DNA position 3395, C replaced by G.
Protein change: p.Ser1132Trp; replaces serine 1132 with tryptophan.
Molecular consequence: missense variant. On other transcripts: non-coding transcript variant (5).
Genome position (GRCh38, 1-based): chr16:2,079,667, C>G. VCF-style: chr16-2079667-C-G. GRCh37 (hg19) VCF-style: chr16-2129668-C-G.
Other names: c.3263C>G, p.Ser1088Trp (NM_001077183.3, NM_001370404.1, NM_001406665.1); c.3395C>G, p.Ser1132Trp (NM_001114382.3); c.3155C>G, p.Ser1052Trp (NM_001318827.2); c.3119C>G, p.Ser1040Trp (NM_001318829.2); c.2663C>G, p.Ser888Trp (NM_001318831.2, NM_001406687.1, NM_001406688.1); c.3296C>G, p.Ser1099Trp (NM_001318832.2); c.3266C>G, p.Ser1089Trp (NM_001363528.2, NM_001370405.1, NM_021055.3); c.3392C>G, p.Ser1131Trp (NM_001406663.1, NM_001406664.1); and 18 more; short protein forms S1039W, S1040W, S1051W, S1052W, S1069W, S1082W, S1083W, S1084W.
Identifiers: ClinVar variation 3232143 (VCV003232143.1), dbSNP rs137854074, ClinGen allele CA394286828.

ClinVar aggregate classification (germline): Uncertain significance (1 of 4 stars; one submission).

Conditions:
Hereditary cancer-predisposing syndrome. Also called: Neoplastic Syndromes, Hereditary; Tumor predisposition; Hereditary neoplastic syndrome; Hereditary Cancer Syndrome. Identifiers: Orphanet 140162, MedGen C0027672, MeSH D009386, MONDO:0015356.

Submission:

Ambry Genetics
Classification: Uncertain significance for Hereditary cancer-predisposing syndrome. Last evaluated: 2023-12-01. Review status: criteria provided, single submitter. Criteria: Ambry Variant Classification Scheme 2023. Collection method: clinical testing. Allele origin: germline.
Comment: The p.S1132W variant (also known as c.3395C>G), located in coding exon 28 of the TSC2 gene, results from a C to G substitution at nucleotide position 3395. The serine at codon 1132 is replaced by tryptophan, an amino acid with highly dissimilar properties. This amino acid position is conserved. In addition, this alteration is predicted to be deleterious by in silico analysis. Since supporting evidence is limited at this time, the clinical significance of this alteration remains unclear.